The following is an entry in ClinVar:

NM_003835.4(RGS9):c.237G>C (p.Arg79Ser)

Gene: RGS9 (regulator of G protein signaling 9; plus strand). Cytogenetic location: 17q24.1.
Variant type: single nucleotide variant.
Coding change: c.237G>C on transcript NM_003835.4 (MANE Select); coding-DNA position 237, G replaced by C.
Protein change: p.Arg79Ser; replaces arginine 79 with serine.
Molecular consequence: missense variant.
Genome position (GRCh38, 1-based): chr17:65,160,264, G>C. VCF-style: chr17-65160264-G-C. GRCh37 (hg19) VCF-style: chr17-63156382-G-C.
Other names: c.237G>C, p.Arg79Ser (NM_001081955.3, NM_001165933.2); short protein forms R79S.
Identifiers: ClinVar variation 2096601 (VCV002096601.4), dbSNP rs1256768534, ClinGen allele CA400664271.

ClinVar aggregate classification (germline): Uncertain significance (1 of 4 stars; one submission).

Submission:

Labcorp Genetics (formerly Invitae), Labcorp
Classification: Uncertain significance. Last evaluated: 2023-11-28. Review status: criteria provided, single submitter. Criteria: Invitae Variant Classification Sherloc (09022015). Collection method: clinical testing. Allele origin: germline.
Comment: This sequence change replaces arginine, which is basic and polar, with serine, which is neutral and polar, at codon 79 of the RGS9 protein (p.Arg79Ser). This variant is not present in population databases (gnomAD no frequency). This variant has not been reported in the literature in individuals affected with RGS9-related conditions. ClinVar contains an entry for this variant (Variation ID: 2096601). Advanced modeling of protein sequence and biophysical properties (such as structural, functional, and spatial information, amino acid conservation, physicochemical variation, residue mobility, and thermodynamic stability) performed at Invitae indicates that this missense variant is not expected to disrupt RGS9 protein function with a negative predictive value of 80%. In summary, the available evidence is currently insufficient to determine the role of this variant in disease. Therefore, it has been classified as a Variant of Uncertain Significance.